The following is an entry in ClinVar:

ClinVar aggregate classification (germline): Likely benign (0 of 4 stars; one submission).

Conditions:
PRR12-related disorder. Also called: PRR12-related condition.

Submission:

PreventionGenetics, part of Exact Sciences
Classification: Likely benign for PRR12-related condition. Last evaluated: 2019-08-15. Review status: no assertion criteria provided. Collection method: clinical testing. Allele origin: germline.
Comment: This variant is classified as likely benign based on ACMG/AMP sequence variant interpretation guidelines (Richards et al. 2015 PMID: 25741868, with internal and published modifications).

NM_020719.3(PRR12):c.2511A>C (p.Pro837=)

Gene: PRR12 (proline rich 12; plus strand). Cytogenetic location: 19q13.33.
Variant type: single nucleotide variant.
Coding change: c.2511A>C on transcript NM_020719.3 (MANE Select); coding-DNA position 2511, A replaced by C.
Protein change: p.Pro837=; no amino-acid change (proline 837 retained).
Molecular consequence: synonymous variant.
Genome position (GRCh38, 1-based): chr19:49,596,846, A>C. VCF-style: chr19-49596846-A-C. GRCh37 (hg19) VCF-style: chr19-50100103-A-C.
Identifiers: ClinVar variation 3042705 (VCV003042705.2), dbSNP rs771804727, ClinGen allele CA508288995.
Genomic context (GRCh38, chr19:49,596,846, plus strand): 5'-CAAAGTCGGCGTCCACCTCCTTGAGCCAGCCACCCGCGATGGGGCACCCCAGCCACCTCC[A>C]CCGCCACCCCCGCCTCCACCACCCATGCCCCTGCAGCTCGAGGCCCACCTCCGCAGCCAT-3'
Protein context (NP_065770.1, residues 827-847): ATRDGAPQPP[Pro837=]PPPPPPPPMP